The following is an entry in ClinVar:

NM_000277.3(PAH):c.1223G>A (p.Arg408Gln)

Gene: PAH (phenylalanine hydroxylase; minus strand). Cytogenetic location: 12q23.2.
Variant type: single nucleotide variant.
Coding change: c.1223G>A on transcript NM_000277.3 (MANE Select); coding-DNA position 1223, G replaced by A.
Protein change: p.Arg408Gln; replaces arginine 408 with glutamine.
Molecular consequence: missense variant.
Genome position (GRCh38, 1-based): chr12:102,840,492, C>T on the plus strand (G>A on the coding strand, the complement: PAH is on the minus strand). VCF-style: chr12-102840492-C-T. GRCh37 (hg19) VCF-style: chr12-103234270-C-T.
Other names: NM_000277.1(PAH):c.1223G>A; c.1223G>A, p.Arg408Gln (NM_001354304.2); c.1223G>A (NM_000277.2); short protein forms R408Q.
Identifiers: ClinVar variation 612 (VCV000000612.116), dbSNP rs5030859, ClinGen allele CA229404.
Genomic context (GRCh38, chr12:102,840,492, plus strand): 5'-TGGGTATTGTCCAAGACCTCAATCCTTTGGGTGTATGGGTCGTAGCGAACTGAGAAGGGC[C>T]GAGGTATTGTGGCAGCAAAGTTCCTAAGACCAAAACCACAGGCTTGAGTGAAGGGCACCA-3'
Protein context (NP_000268.1, residues 398-418): KVRNFAATIP[Arg408Gln]PFSVRYDPYT

ClinVar aggregate classification (germline): Pathogenic. Review status: reviewed by expert panel (3 of 4 stars). 20 submissions from 20 submitters: Pathogenic (1). 19 of the submissions do not count toward it. Last evaluated 2018-08-05.

Conditions:
PAH-related disorder. Also called: PAH-related condition.
Phenylketonuria (PKU). Also called: FOLLING DISEASE; Phenylketonurias; Phenylketonuria (PKU); OLIGOPHRENIA PHENYLPYRUVICA. Identifiers: Orphanet 716, MedGen C0031485, MONDO:0009861, OMIM 261600. Disease mechanism: loss of function.
Hyperphenylalaninemia. Also called: Hyperphenylalaninemia, non-pku; Hyperphenylalaninemia (HPA); Hyperphenylalaninaemia. Identifiers: MedGen C0751435, HP:0004923.

Allele frequency attached by ClinVar (database versions not stated): gnomAD 0.00004; ExAC 0.00005; gnomAD exomes 0.00005 and 0.00009; 1000 Genomes Project 0.00020; TOPMed 0.00003; 1000 Genomes Project 30x 0.00016.

Submissions 1 to 11 of 20:

ClinGen PAH Variant Curation Expert Panel
Classification: Pathogenic for Phenylketonuria. Last evaluated: 2018-08-05. Review status: reviewed by expert panel. Criteria: ClinGen PAH ACMG Specifications v1. Collection method: curation. Allele origin: germline. Inheritance: Autosomal recessive inheritance.
Comment: PAH-specific ACMG/AMP criteria applied: PM3_Strong: In trans with R408W, IVS4-1G>A, R241C (ClinGen, P) (PMID:1312992; PMID:14722928); PP3: ; PS3: Mutant enzyme activity of 46% in BioPKU (PMID:9860305); PP4_Moderate: ~830 uml/L w/o BH4 deficiency & 823 umol/L, BH4 status unknown (PMID:9860305; PMID:1312992). In summary this variant meets criteria to be classified as pathogenic for phenylketonuria in an autosomal recessive manner based on the ACMG/AMP criteria applied as specified by the PAH Expert Panel: (PM3_Strong, PP3, PS3, PP4_Moderate).

Labcorp Genetics (formerly Invitae), Labcorp
Classification: Pathogenic for Phenylketonuria. Last evaluated: 2025-12-23. Review status: criteria provided, single submitter. Criteria: Invitae Variant Classification Sherloc (09022015). Collection method: clinical testing. Allele origin: germline. Not counted in ClinVar's aggregate classification.
Comment: This sequence change replaces arginine, which is basic and polar, with glutamine, which is neutral and polar, at codon 408 of the PAH protein (p.Arg408Gln). This variant is present in population databases (rs5030859, gnomAD 0.03%). This missense change has been observed in individual(s) with PAH-related disease (PMID: 1312992, 10471838, 24401910, 29317692). In at least one individual the data is consistent with being in trans (on the opposite chromosome) from a pathogenic variant. ClinVar contains an entry for this variant (Variation ID: 612). Invitae Evidence Modeling of protein sequence and biophysical properties (such as structural, functional, and spatial information, amino acid conservation, physicochemical variation, residue mobility, and thermodynamic stability) indicates that this missense variant is expected to disrupt PAH protein function with a positive predictive value of 80%. Experimental studies have shown that this missense change affects PAH function (PMID: 12655546). This variant disrupts the p.Arg408 amino acid residue in PAH. Other variant(s) that disrupt this residue have been determined to be pathogenic (PMID: 2014036, 12173030, 24401910). This suggests that this residue is clinically significant, and that variants that disrupt this residue are likely to be disease-causing. For these reasons, this variant has been classified as Pathogenic.

PreventionGenetics, part of Exact Sciences
Classification: Pathogenic for PAH-related condition. Last evaluated: 2025-11-05. Review status: criteria provided, single submitter. Criteria: ACMG Guidelines, 2015. Collection method: clinical testing. Allele origin: germline. Not counted in ClinVar's aggregate classification.
Comment: The PAH c.1223G>A variant is predicted to result in the amino acid substitution p.Arg408Gln. This variant has been reported in the homozygous state or with a second pathogenic PAH variant in many patients with phenylalanine hydroxylase deficiency (e.g., Zschocke et al. 1995. PubMed ID: 8533759; Eiken et al. 1996. PubMed ID: 8875186; Table S3, Hillert et al. 2020. PubMed ID: 32668217). The p.Arg408Gln amino acid substitution has been reported to reduce PAH enzyme activity to ~50% of wild-type (Zurflüh et al. 2008. PubMed ID: 17935162) and is generally considered a mild PAH variant (Liang et al. 2014. PubMed ID: 24401910). This variant has been classified as pathogenic by the ClinGen PAH Variant Curation Expert Panel as well as several other outside laboratories (Variation ID: 612). In summary, we classify the c.1223G>A variant as pathogenic.

Women's Health and Genetics/Laboratory Corporation of America, LabCorp
Classification: Pathogenic for Phenylketonuria. Last evaluated: 2025-03-05. Review status: criteria provided, single submitter. Criteria: LabCorp Variant Classification Summary - May 2015. Collection method: clinical testing. Allele origin: germline. Not counted in ClinVar's aggregate classification.
Comment: Variant summary: PAH c.1223G>A (p.Arg408Gln) results in a conservative amino acid change in the encoded protein sequence. Two of three in-silico tools predict a damaging effect of the variant on protein function. The variant allele was found at a frequency of 4.8e-05 in 251438 control chromosomes (gnomAD). This frequency is not significantly higher than estimated for a pathogenic variant in PAH causing Phenylalanine Hydroxylase Deficiency (Phenylketonuria) (4.8e-05 vs 0.0079), allowing no conclusion about variant significance. c.1223G>A has been reported in the literature in multiple individuals affected with Phenylalanine Hydroxylase Deficiency (Phenylketonuria) (Ho_2014, Aldamiz-Echevarria_2016, Jeannesson-Thivisol_2015). These data indicate that the variant is very likely to be associated with disease. A different variant affecting the same codon has been classified as pathogenic by our lab (c.1222C>T, p.Arg408Trp), supporting the critical relevance of codon 408 to PAH protein function. At least one publication reports experimental evidence evaluating an impact on protein function. The most pronounced variant effect results in 30%-50% of normal activity (Aldamiz-Echevarria_2016). The following publications have been ascertained in the context of this evaluation (PMID: 24368688, 26666653, 27121329). ClinVar contains an entry for this variant (Variation ID: 612). Based on the evidence outlined above, the variant was classified as pathogenic.

Dubai Health Genomic Medicine Center, Dubai Health
Classification: Pathogenic for Hyperphenylalaninemia. Last evaluated: 2024-10-04. Review status: criteria provided, single submitter. Criteria: ACMG Guidelines, 2015. Collection method: research. Allele origin: germline. Affected: yes. Not counted in ClinVar's aggregate classification.
Comment: PM3_VeryStrong, PM2, PP4, PS3

Natera, Inc.
Classification: Pathogenic for Phenylketonuria. Last evaluated: 2024-06-28. Review status: criteria provided, single submitter. Criteria: Natera Variant Classification Schema (03/2026). Collection method: clinical testing. Allele origin: germline. Not counted in ClinVar's aggregate classification.
Comment: The c.1223G>A variant in PAH is a missense variant predicted to cause substitution of arginine to glutamine at amino acid 408. This variant is rare in the general population with a frequency below the threshold expected for the associated phenotype(s). This variant has been observed in one or more individuals affected with the associated recessive disease, as either homozygous or compound heterozygous with a second variant (PMID: 27121329, 26666653, 26322415). This variant has been observed in affected individual(s) with monoallelic occurrence (heterozygous/hemizygous) (PMID: 10471838, 30159852, 8831077). Functional studies show that this variant may disrupt protein function (PMID: 8831077, 10471838). A different variant at the same position has been determined to be Pathogenic or Likely Pathogenic. Computational prediction algorithms indicate this variant is likely to affect gene or protein function. Given the available evidence, this variant is classified as Pathogenic.

Mayo Clinic Laboratories, Mayo Clinic
Classification: Pathogenic. Last evaluated: 2024-02-27. Review status: criteria provided, single submitter. Criteria: ACMG Guidelines, 2015. Collection method: clinical testing. Allele origin: germline. Observed: 1 variant allele. Not counted in ClinVar's aggregate classification.
Comment: PP3, PP4_moderate, PM3_strong, PS3

Cellular and Molecular Research Center, Cellular and Molecular Medicine Research Institute,, Urmia University of Medical Sciences
Classification: Pathogenic for Phenylketonuria. Last evaluated: 2023-09-19. Review status: criteria provided, single submitter. Criteria: Zastrow et al. (Hum Mutat. 2018). Collection method: clinical testing. Allele origin: inherited. Inheritance: Autosomal recessive inheritance. Affected: yes. Not counted in ClinVar's aggregate classification.

GeneDx
Classification: Pathogenic. Last evaluated: 2023-06-28. Review status: criteria provided, single submitter. Criteria: GeneDx Variant Classification Process June 2021. Collection method: clinical testing. Allele origin: germline. Affected: yes. Not counted in ClinVar's aggregate classification.
Comment: Functional studies of the R408Q variant show significantly reduced enzyme activity compared to wildtype (PMID: 26803807); In silico analysis, which includes protein predictors and evolutionary conservation, supports a deleterious effect; This variant is associated with the following publications: (PMID: 22975760, 21953985, 21228398, 10471838, 25750018, 24327145, 17935162, 12655546, 1312992, 23891399, 1355066, 1301200, 29102225, 29317692, 24401910, 14722928, 28676969, 29499199, 30037505, 29413232, 29316886, 30747360, 31355225, 30275481, 33677757, 32668217, 32778825, 35314707, 16253218, 33161754, 36703223, 36646061, 36755623, 36787440, 37443404, 36845377, 38105685, 26803807, 25596310)

Fulgent Genetics
Classification: Pathogenic for Phenylketonuria. Last evaluated: 2021-12-15. Review status: criteria provided, single submitter. Criteria: ACMG Guidelines, 2015. Collection method: clinical testing. Allele origin: unknown. Not counted in ClinVar's aggregate classification.

Revvity Omics, Revvity
Classification: Pathogenic for Phenylketonuria. Last evaluated: 2021-07-26. Review status: criteria provided, single submitter. Criteria: ACMG Guidelines, 2015. Collection method: clinical testing. Allele origin: germline. Not counted in ClinVar's aggregate classification.